The following is an entry in ClinVar:

ClinVar aggregate classification (germline): Uncertain significance. Review status: criteria provided, multiple submitters, no conflicts (2 of 4 stars). 2 submissions from 2 submitters: Uncertain significance (2). Last evaluated 2025-07-07.

Allele frequency attached by ClinVar (database versions not stated): gnomAD 0.00003; ExAC 0.00004; TOPMed 0.00005; ESP Exome Variant Server 0.00008.
gnomAD v4.1: 60 of 1,613,662 alleles (0.0037%); highest among the groups gnomAD compares: Admixed American, 0.0067%; 1 homozygote.

Submissions (2):

Labcorp Genetics (formerly Invitae), Labcorp
Classification: Uncertain significance. Last evaluated: 2025-07-07. Review status: criteria provided, single submitter. Criteria: Invitae Variant Classification Sherloc (09022015). Collection method: clinical testing. Allele origin: germline.
Comment: This sequence change replaces valine, which is neutral and non-polar, with isoleucine, which is neutral and non-polar, at codon 506 of the CELSR2 protein (p.Val506Ile). This variant is present in population databases (rs139990194, gnomAD 0.009%). This variant has not been reported in the literature in individuals affected with CELSR2-related conditions. ClinVar contains an entry for this variant (Variation ID: 2168691). Invitae Evidence Modeling of protein sequence and biophysical properties (such as structural, functional, and spatial information, amino acid conservation, physicochemical variation, residue mobility, and thermodynamic stability) indicates that this missense variant is expected to disrupt CELSR2 protein function with a positive predictive value of 80%. In summary, the available evidence is currently insufficient to determine the role of this variant in disease. Therefore, it has been classified as a Variant of Uncertain Significance.

Ambry Genetics
Classification: Uncertain significance. Last evaluated: 2024-10-21. Review status: criteria provided, single submitter. Criteria: Ambry Variant Classification Scheme 2023. Collection method: clinical testing. Allele origin: germline.

NM_001408.3(CELSR2):c.1516G>A (p.Val506Ile)

Gene: CELSR2 (cadherin EGF LAG seven-pass G-type receptor 2; plus strand). Cytogenetic location: 1p13.3.
Variant type: single nucleotide variant.
Coding change: c.1516G>A on transcript NM_001408.3 (MANE Select); coding-DNA position 1516, G replaced by A.
Protein change: p.Val506Ile; replaces valine 506 with isoleucine.
Molecular consequence: missense variant.
Genome position (GRCh38, 1-based): chr1:109,251,595, G>A. VCF-style: chr1-109251595-G-A. GRCh37 (hg19) VCF-style: chr1-109794217-G-A.
Other names: c.1516G>A (NM_001408.2); short protein forms V506I.
Identifiers: ClinVar variation 2168691 (VCV002168691.5), dbSNP rs139990194, ClinGen allele CA986579.